The following is an entry in ClinVar:

ClinVar aggregate classification (germline): Uncertain significance (1 of 4 stars; one submission).

Submission:

Ambry Genetics
Classification: Uncertain significance. Last evaluated: 2025-06-30. Review status: criteria provided, single submitter. Criteria: Ambry Variant Classification Scheme 2023. Collection method: clinical testing. Allele origin: germline.
Comment: The p.D819N variant (also known as c.2455G>A), located in coding exon 11 of the WNK2 gene, results from a G to A substitution at nucleotide position 2455. The aspartic acid at codon 819 is replaced by asparagine, an amino acid with highly similar properties. This amino acid position is conserved. In addition, this alteration is predicted to be tolerated by in silico analysis. Based on the available evidence, the clinical significance of this variant remains unclear.

NM_006648.4(WNK2):c.2455G>A (p.Asp819Asn)

Gene: WNK2 (WNK lysine deficient protein kinase 2; plus strand). Cytogenetic location: 9q22.31.
Variant type: single nucleotide variant.
Coding change: c.2455G>A on transcript NM_006648.4 (MANE Select); coding-DNA position 2455, G replaced by A.
Protein change: p.Asp819Asn; replaces aspartic acid 819 with asparagine.
Molecular consequence: missense variant.
Genome position (GRCh38, 1-based): chr9:93,259,003, G>A. VCF-style: chr9-93259003-G-A. GRCh37 (hg19) VCF-style: chr9-96021285-G-A.
Other names: c.2455G>A, p.Asp819Asn (NM_001282394.3); short protein forms D819N.
Identifiers: ClinVar variation 4201577 (VCV004201577.1).